The following is an entry in ClinVar:

NM_004655.4(AXIN2):c.2140C>G (p.Arg714Gly)

Gene: AXIN2 (axin 2; minus strand). Cytogenetic location: 17q24.1.
Variant type: single nucleotide variant.
Coding change: c.2140C>G on transcript NM_004655.4 (MANE Select); coding-DNA position 2140, C replaced by G.
Protein change: p.Arg714Gly; replaces arginine 714 with glycine.
Molecular consequence: missense variant.
Genome position (GRCh38, 1-based): chr17:65,536,321, G>C on the plus strand (C>G on the coding strand, the complement: AXIN2 is on the minus strand). VCF-style: chr17-65536321-G-C. GRCh37 (hg19) VCF-style: chr17-63532439-G-C.
Other names: c.1945C>G, p.Arg649Gly (NM_001363813.1); short protein forms R649G, R714G.
Identifiers: ClinVar variation 1786580 (VCV001786580.7), dbSNP rs148765149, ClinGen allele CA400675904.

ClinVar aggregate classification (germline): Uncertain significance. Review status: criteria provided, multiple submitters, no conflicts (2 of 4 stars). 2 submissions from 2 submitters: Uncertain significance (2). Last evaluated 2022-01-01.

Conditions:
Hereditary cancer-predisposing syndrome. Also called: Neoplastic Syndromes, Hereditary; Tumor predisposition; Hereditary Cancer Syndrome; Hereditary neoplastic syndrome. Identifiers: Orphanet 140162, MedGen C0027672, MeSH D009386, MONDO:0015356.
Oligodontia-cancer predisposition syndrome. Also called: TOOTH AGENESIS-COLORECTAL CANCER SYNDROME. Identifiers: Orphanet 300576, MedGen C1837750, MONDO:0012075, OMIM 608615. Disease mechanism: loss of function.

gnomAD v4.1: 1 of 1,608,784 alleles (0.000062%); highest among the groups gnomAD compares: South Asian, 0.0011%; no homozygotes.

Submissions (2):

Labcorp Genetics (formerly Invitae), Labcorp
Classification: Uncertain significance for Oligodontia-cancer predisposition syndrome. Last evaluated: 2022-01-01. Review status: criteria provided, single submitter. Criteria: Invitae Variant Classification Sherloc (09022015). Collection method: clinical testing. Allele origin: germline.
Comment: Algorithms developed to predict the effect of sequence changes on RNA splicing suggest that this variant may disrupt the consensus splice site. This sequence change replaces arginine, which is basic and polar, with glycine, which is neutral and non-polar, at codon 714 of the AXIN2 protein (p.Arg714Gly). This variant is not present in population databases (gnomAD no frequency). This variant has not been reported in the literature in individuals affected with AXIN2-related conditions. Algorithms developed to predict the effect of missense changes on protein structure and function (SIFT, PolyPhen-2, Align-GVGD) all suggest that this variant is likely to be disruptive. In summary, the available evidence is currently insufficient to determine the role of this variant in disease. Therefore, it has been classified as a Variant of Uncertain Significance.

Ambry Genetics
Classification: Uncertain significance for Hereditary cancer-predisposing syndrome. Last evaluated: 2020-09-17. Review status: criteria provided, single submitter. Criteria: Ambry Variant Classification Scheme 2023. Collection method: clinical testing. Allele origin: germline.
Comment: The p.R714G variant (also known as c.2140C>G), located in coding exon 7 of the AXIN2 gene, results from a C to G substitution at nucleotide position 2140. The arginine at codon 714 is replaced by glycine, an amino acid with dissimilar properties. This amino acid position is highly conserved in available vertebrate species. In addition, the in silico prediction for this alteration is inconclusive. Since supporting evidence is limited at this time, the clinical significance of this alteration remains unclear.